The following is an entry in ClinVar:

NM_001159699.2(FHL1):c.498C>G (p.Cys166Trp)

Gene: FHL1 (four and a half LIM domains 1; plus strand). Cytogenetic location: Xq26.3.
Variant type: single nucleotide variant.
Coding change: c.498C>G on transcript NM_001159699.2 (MANE Select); coding-DNA position 498, C replaced by G.
Protein change: p.Cys166Trp; replaces cysteine 166 with tryptophan.
Molecular consequence: missense variant. On other transcripts: non-coding transcript variant (1).
Genome position (GRCh38, 1-based): chrX:136,207,910, C>G. VCF-style: chrX-136207910-C-G. GRCh37 (hg19) VCF-style: chrX-135290069-C-G.
Other names: c.450C>G, p.Cys150Trp (NM_001159704.1, NM_001167819.1, NM_001369326.1 and 9 more transcripts); c.498C>G, p.Cys166Trp (NM_001330659.2); c.537C>G, p.Cys179Trp (NM_001159701.2); short protein forms C166W, C150W, C179W.
Identifiers: ClinVar variation 943902 (VCV000943902.9), dbSNP rs145445372, ClinGen allele CA414608558.

ClinVar aggregate classification (germline): Likely pathogenic (1 of 4 stars; one submission).

Conditions:
X-linked myopathy with postural muscle atrophy. Also called: FHL1-Related Emery-Dreifuss Muscular Dystrophy, X-Linked. Identifiers: Orphanet 178461, MedGen C2678055, MONDO:0010401, OMIM 300696.

Submission:

Labcorp Genetics (formerly Invitae), Labcorp
Classification: Likely pathogenic for X-linked myopathy with postural muscle atrophy. Last evaluated: 2025-09-24. Review status: criteria provided, single submitter. Criteria: Invitae Variant Classification Sherloc (09022015). Collection method: clinical testing. Allele origin: germline.
Comment: This sequence change replaces cysteine, which is neutral and slightly polar, with tryptophan, which is neutral and slightly polar, at codon 150 of the FHL1 protein (p.Cys150Trp). This variant is not present in population databases (gnomAD no frequency). This missense change has been observed in individual(s) with X-linked dominant FHL1-related conditions (internal data). It has also been observed to segregate with disease in related individuals. ClinVar contains an entry for this variant (Variation ID: 943902). An algorithm developed to predict the effect of missense changes on protein structure and function (PolyPhen-2) suggests that this variant is likely to be disruptive. This variant disrupts the p.Cys150 amino acid residue in FHL1. Other variant(s) that disrupt this residue have been observed in individuals with FHL1-related conditions (PMID: 19171836, 20571991, 23169582, 25191266), which suggests that this may be a clinically significant amino acid residue. In summary, the currently available evidence indicates that the variant is pathogenic, but additional data are needed to prove that conclusively. Therefore, this variant has been classified as Likely Pathogenic.

Literature cited by the submitters: PubMed 19171836; PubMed 20571991; PubMed 23169582; PubMed 25191266.